The following is an entry in ClinVar:

ClinVar aggregate classification (germline): Likely benign. Review status: criteria provided, multiple submitters, no conflicts (2 of 4 stars). 3 submissions from 3 submitters: Likely benign (2). 1 of the submissions does not count toward it. Last evaluated 2026-01-26.

Conditions:
DSCAML1-related disorder. Also called: DSCAML1-related condition.

Allele frequency attached by ClinVar (database versions not stated): ESP Exome Variant Server 0.00031; gnomAD exomes 0.00034 and 0.00051; 1000 Genomes Project 0.00040; gnomAD 0.00043; ExAC 0.00045; 1000 Genomes Project 30x 0.00047.
gnomAD v4.1: 800 of 1,609,050 alleles (0.05%); highest among the groups gnomAD compares: Middle Eastern, 0.083%; no homozygotes.

Submissions (4):

Labcorp Genetics (formerly Invitae), Labcorp
Classification: Likely benign. Last evaluated: 2026-01-26. Review status: criteria provided, single submitter. Criteria: Invitae Variant Classification Sherloc (09022015). Collection method: clinical testing. Allele origin: germline.

Breakthrough Genomics
Classification: Likely benign. Review status: criteria provided, single submitter. Criteria: ACMG Guidelines, 2015. Collection method: not provided. Allele origin: germline. Inheritance: Unknown mechanism. Affected: yes.

PreventionGenetics, part of Exact Sciences
Classification: Likely benign for DSCAML1-related condition. Last evaluated: 2019-04-11. Review status: no assertion criteria provided. Collection method: clinical testing. Allele origin: germline. Not counted in ClinVar's aggregate classification.
Comment: This variant is classified as likely benign based on ACMG/AMP sequence variant interpretation guidelines (Richards et al. 2015 PMID: 25741868, with internal and published modifications).

Dr. Peter K. Rogan Lab, Western University
No classification provided (evidence only). Condition: Cervical cancer. Review status: no classification provided. Collection method: in vitro. Allele origin: not applicable. Functional consequence: retained intron. Not counted in ClinVar's aggregate classification.

NM_020693.4(DSCAML1):c.3266-10C>A

Gene: DSCAML1 (DS cell adhesion molecule like 1; minus strand). Cytogenetic location: 11q23.3.
Variant type: single nucleotide variant.
Coding change: c.3266-10C>A on transcript NM_020693.4 (MANE Select); 10 bases into the intron before coding-DNA position 3266, C replaced by A.
Molecular consequence: intron variant.
Genome position (GRCh38, 1-based): chr11:117,461,606, G>T on the plus strand (C>A on the coding strand, the complement: DSCAML1 is on the minus strand). VCF-style: chr11-117461606-G-T. GRCh37 (hg19) VCF-style: chr11-117332322-G-T.
Other names: c.3446-10C>A (NM_020693.3).
Identifiers: ClinVar variation 1567435 (VCV001567435.12), dbSNP rs182531318, ClinGen allele CA6296742.